The following continues an entry in ClinVar:

NM_001042492.3(NF1):c.2033dup (p.Ile679fs)

Gene: NF1. ClinVar aggregate classification (germline): Pathogenic. Pathogenic (29). ClinVar aggregate classification (oncogenicity): Likely oncogenic.

Submissions 11 to 30 of 35:

Blueprint Genetics
Classification: Pathogenic for NF1-related disorders. Last evaluated: 2024-04-04. Review status: criteria provided, single submitter. Criteria: ACMG Guidelines, 2015. Collection method: clinical testing. Allele origin: germline. Affected: yes. Observed: 5 variant alleles.

Baylor Genetics
Classification: Pathogenic for Juvenile myelomonocytic leukemia. Last evaluated: 2024-02-29. Review status: criteria provided, single submitter. Criteria: ACMG Guidelines, 2015. Collection method: clinical testing. Allele origin: unknown.

Greenwood Genetic Center Diagnostic Laboratories, Greenwood Genetic Center
Classification: Pathogenic for NF1-related disorder. Last evaluated: 2024-02-26. Review status: criteria provided, single submitter. Criteria: ACMG Guidelines, 2015. Collection method: clinical testing. Allele origin: germline. Affected: yes.
Comment: PVS1, PS4, PM2, PM6_Strong

Institute for Genomic Medicine (IGM) Clinical Laboratory, Nationwide Children's Hospital
Classification: Pathogenic for Neurofibromatosis, type 1. Last evaluated: 2024-02-26. Review status: criteria provided, single submitter. Criteria: ACMG Guidelines, 2015. Collection method: clinical testing. Allele origin: germline.
Comment: This variant is predicted to result in loss of function through nonsense-mediated decay of the encoded transcript or premature truncation of the encoded protein in a gene in which loss of function is a known mechanism of disease (ACMG/AMP: PVS1). This variant has been reported at an elevated frequency in affected individuals/in multiple affected individuals in the literature (ACMG/AMP: PS4; PMIDs:7655472, 17311297, 21354044, 23656349, 23668869). This variant is absent from or present at an exceedingly low frequency in gnomAD, a large-scale control population database (ACMG/AMP: PM2).

Clinical Genetics Laboratory, Skane University Hospital Lund
Classification: Pathogenic. Last evaluated: 2023-09-29. Review status: criteria provided, single submitter. Criteria: ACMG Guidelines, 2015. Collection method: clinical testing. Allele origin: germline. Affected: yes.

Department of Pathology and Laboratory Medicine, Sinai Health System
Classification: Pathogenic for Chromosome 17q11.2 deletion syndrome, 1.4Mb. Last evaluated: 2023-09-14. Review status: criteria provided, single submitter. Criteria: ACMG Guidelines, 2015. Collection method: research. Allele origin: germline.

Laboratory for Molecular Medicine, Mass General Brigham Personalized Medicine
Classification: Pathogenic for Neurofibromatosis, type 1. Last evaluated: 2022-11-03. Review status: criteria provided, single submitter. Criteria: ACMG Guidelines, 2015. Collection method: clinical testing. Allele origin: germline. Inheritance: Autosomal dominant inheritance.
Comment: The p.Ile679fs variant in NF1 has been reported in at least 16 individuals with Neurofibromatosis type 1 (Heim 1995 PMID: 7655472, Wimmer 2007 PMID: 17311297, Pros 2008 PMID: 18546366, Valero 2011 PMID: 21354044). This variant has also been reported in ClinVar (Variation ID# 141513). This variant has been identified in 2/10234 African chromosomes by the Exome Aggregation Consortium (ExAC; dbSNP rs587781807). This variant is predicted to cause a frameshift, which alters the protein’s amino acid sequence beginning at position 679 and leads to a premature termination codon 21 amino acids downstream. This alteration is then predicted to lead to a truncated or absent protein. Heterozygous loss of function of the NF1 gene is an established disease mechanism in neurofibromatosis type 1. In summary, this variant meets criteria to be classified as pathogenic for neurofibromatosis type 1 in an autosomal dominant manner. ACMG/AMP criteria applied: PVS1, PS4.

Mayo Clinic Laboratories, Mayo Clinic
Classification: Pathogenic. Last evaluated: 2022-08-31. Review status: criteria provided, single submitter. Criteria: ACMG Guidelines, 2015. Collection method: clinical testing. Allele origin: germline. Observed: 65 variant alleles.
Comment: PP4, PM2, PVS1

MGZ Medical Genetics Center
Classification: Pathogenic for Neurofibromatosis, type 1. Last evaluated: 2022-08-24. Review status: criteria provided, single submitter. Criteria: ACMG Guidelines, 2015. Collection method: clinical testing. Allele origin: germline. Affected: yes. Observed: 1 variant allele.
Comment: ACMG criteria applied: PVS1, PS4_MOD, PM2_SUP

GeneDx
Classification: Pathogenic. Last evaluated: 2022-05-31. Review status: criteria provided, single submitter. Criteria: GeneDx Variant Classification Process June 2021. Collection method: clinical testing. Allele origin: germline. Affected: yes.
Comment: Frameshift variant predicted to result in protein truncation or nonsense mediated decay in a gene for which loss-of-function is a known mechanism of disease; Not observed at significant frequency in large population cohorts (gnomAD); This variant is associated with the following publications: (PMID: 7655472, 34418705, 32980694, 28152038, 29922827, 34427956, 17311297, 23656349, 25074460, 18546366, 21354044, 30308447, 30877234, 10712197, 31730495, 31533797, 34308366, 32107864, 31370276, 32338768, 33332384, 31776437)

Genome-Nilou Lab
Classification: Pathogenic for Neurofibromatosis, type 1. Last evaluated: 2022-03-15. Review status: criteria provided, single submitter. Criteria: ACMG Guidelines, 2015. Collection method: clinical testing. Allele origin: germline. Affected: no.

Institute of Medical Genetics and Applied Genomics, University Hospital Tübingen
Classification: Pathogenic. Last evaluated: 2021-09-15. Review status: criteria provided, single submitter. Criteria: ACMG Guidelines, 2015. Collection method: clinical testing. Allele origin: germline. Inheritance: Autosomal dominant inheritance. Affected: yes.

ARUP Laboratories, Molecular Genetics and Genomics, ARUP Laboratories
Classification: Pathogenic. Last evaluated: 2021-07-27. Review status: criteria provided, single submitter. Criteria: ARUP Molecular Germline Variant Investigation Process 2021. Collection method: clinical testing. Allele origin: germline.
Comment: The NF1 c.2033dupC; p.Ile679AspfsTer21 variant (rs587781807), is reported in the literature in multiple individuals affected with neurofibromatosis type I (NF1; Duat 2015, Ko 2013, LaDuca 2017, Pros 2008, Valero 2011, van Minkelen 2014, Wimmer 2007). This variant is reported as pathogenic by multiple laboratories in ClinVar (Variation ID: 141513), and is also absent from general population databases (1000 Genomes Project, Exome Variant Server, and Genome Aggregation Database), indicating it is not a common polymorphism. This variant causes a frameshift by inserting a single nucleotide, so it is predicted to result in a truncated protein or mRNA subject to nonsense-mediated decay. Based on available information, this variant is considered to be pathogenic. REFERENCES Duat Rodríguez A et al. Phenotypic and genetic features in neurofibromatosis type 1 in children. An Pediatr (Barc). 2015 Sep;83(3):173-82. Ko JM et al. Mutation spectrum of NF1 and clinical characteristics in 78 Korean patients with neurofibromatosis type 1. Pediatr Neurol. 2013 Jun;48(6):447-53. LaDuca H et al. Exome sequencing covers >98% of mutations identified on targeted next generation sequencing panels. PLoS One. 2017 Feb 2;12(2):e0170843. Pros E et al. Nature and mRNA effect of 282 different NF1 point mutations: focus on splicing alterations. Hum Mutat. 2008 Sep;29(9):E173-93. Valero MC et al. A highly sensitive genetic protocol to detect NF1 mutations. J Mol Diagn. 2011 Mar;13(2):113-22. van Minkelen R et al. A clinical and genetic overview of 18?years neurofibromatosis type 1 molecular diagnostics in the Netherlands. Clin Genet. 2014 Apr;85(4):318-27. Wimmer K et al. Extensive in silico analysis of NF1 splicing defects uncovers determinants for splicing outcome upon 5' splice-site disruption. Hum Mutat. 2007 Jun;28(6):599-612.

Department of Pediatrics, Memorial Sloan Kettering Cancer Center
Classification: Pathogenic for Neurofibromatosis, type 1. Last evaluated: 2020-12-15. Review status: criteria provided, single submitter. Criteria: ACMG Guidelines, 2015. Collection method: research. Allele origin: germline. Affected: yes.

Genome Diagnostics Laboratory, The Hospital for Sick Children
Classification: Pathogenic for Neurofibromatosis, type 1. Last evaluated: 2020-10-26. Review status: criteria provided, single submitter. Criteria: ACMG Guidelines, 2015. Collection method: clinical testing. Allele origin: germline. Affected: yes.

Medical Genetics, University of Parma
Classification: Pathogenic for Neurofibromatosis, type 1. Last evaluated: 2019-12-20. Review status: criteria provided, single submitter. Criteria: ACMG Guidelines, 2015. Collection method: clinical testing. Allele origin: germline. Affected: yes.

The Laboratory of Genetics and Metabolism, Hunan Children’s Hospital
Classification: Pathogenic for Neurofibromatosis, type 1; Tibial pseudoarthrosis. Last evaluated: 2018-11-10. Review status: criteria provided, single submitter. Criteria: ACMG Guidelines, 2015. Collection method: research. Allele origin: paternal. Affected: yes. Observed: 1 variant allele.

Center for Human Genetics, Inc
Classification: Pathogenic for Neurofibromatosis, type 1. Last evaluated: 2016-11-01. Review status: criteria provided, single submitter. Criteria: ACMG Guidelines, 2015. Collection method: clinical testing. Allele origin: germline. Affected: yes.

Ambry Genetics
Classification: Pathogenic for Hereditary cancer-predisposing syndrome. Last evaluated: 2015-03-11. Review status: criteria provided, single submitter. Criteria: Ambry Autosomal Dominant and X-Linked criteria (10/2015). Collection method: clinical testing. Allele origin: germline. Observed: 1 variant allele.
Comment: The c.2033dupC pathogenic mutation (also known as 2027insC and 2033insC), located in coding exon 18 of the NF1 gene, results from a duplication of C at nucleotide position 2033, causing a translational frameshift with a predicted alternate stop codon. This mutation has been reported in mutliple NF1 patients (Heim RA et al. Hum. Mol. Genet. 1995; 4:975-81; Fahsold R et al. Am. J. Hum. Genet. 2000; 66:790-818). In addition to the clinical data presented in the literature, since frameshifts are typically deleterious in nature, this alteration is interpreted as a disease-causing mutation (ACMG Recommendations for Standards for Interpretation and Reporting of Sequence Variations. Revision 2007. Genet Med. 2008;10:294).

Juno Genomics, Hangzhou Juno Genomics, Inc
Classification: Pathogenic for Neurofibromatosis, type 1. Review status: criteria provided, single submitter. Criteria: ACMG Guidelines, 2015. Collection method: clinical testing. Allele origin: germline. Affected: yes.
Comment: Null variant in a gene where loss of function (LOF) is a known mechanism of disease.;Absent from controls (or at extremely low frequency if recessive) in Genome Aggregation Database, Exome Sequencing Project, 1000 Genomes Project, or Exome Aggregation Consortium.;Assumed de novo, but without confirmation of paternity and maternity.;The prevalence of the variant in affected individuals is significantly increased compared to the prevalence in controls.;Patient's phenotype or family history is highly specific for a disease with a single genetic etiology.